The following is an entry in ClinVar:

NM_139159.5(DPP9):c.126C>T (p.Asp42=)

Genes: DPP9 (dipeptidyl peptidase 9; minus strand), LOC126862842 (CDK7 strongly-dependent group 2 enhancer GRCh37_chr19:4713085-4714284; plus strand). Cytogenetic location: 19p13.3.
Variant type: single nucleotide variant.
Coding change: c.126C>T on transcript NM_139159.5 (MANE Select); coding-DNA position 126, C replaced by T.
Protein change: p.Asp42=; no amino-acid change (aspartic acid 42 retained).
Molecular consequence: synonymous variant. On other transcripts: non-coding transcript variant (11).
Genome position (GRCh38, 1-based): chr19:4,714,268, G>A on the plus strand (C>T on the coding strand, the complement: DPP9 is on the minus strand). VCF-style: chr19-4714268-G-A. GRCh37 (hg19) VCF-style: chr19-4714280-G-A.
Other names: c.126C>T, p.Asp42= (NM_001365987.2, NM_001384611.1, NM_001384612.1 and 19 more transcripts); c.39C>T, p.Asp13= (NM_001384623.1, NM_001384624.1, NM_001384625.1 and 4 more transcripts).
Identifiers: ClinVar variation 3777832 (VCV003777832.7).

ClinVar aggregate classification (germline): Likely benign (1 of 4 stars; one submission).

gnomAD v4.1: 2,069 of 1,560,938 alleles (0.13%); highest among the groups gnomAD compares: Non-Finnish European, 0.16%; 4 homozygotes.

Submission:

CeGaT Center for Human Genetics Tuebingen
Classification: Likely benign. Last evaluated: 2026-06-01. Review status: criteria provided, single submitter. Criteria: CeGaT Center For Human Genetics Tuebingen Variant Classification Criteria Version 2. Collection method: clinical testing. Allele origin: germline. Affected: yes. Observed: 3 variant alleles.
Comment: DPP9: BP4, BP7